The following is an entry in ClinVar:

NM_025137.4(SPG11):c.5650C>T (p.Arg1884Cys)

Gene: SPG11 (SPG11 vesicle trafficking associated, spatacsin; minus strand). Cytogenetic location: 15q21.1.
Variant type: single nucleotide variant.
Coding change: c.5650C>T on transcript NM_025137.4 (MANE Select); coding-DNA position 5650, C replaced by T.
Protein change: p.Arg1884Cys; replaces arginine 1884 with cysteine.
Molecular consequence: missense variant.
Genome position (GRCh38, 1-based): chr15:44,584,030, G>A on the plus strand (C>T on the coding strand, the complement: SPG11 is on the minus strand). VCF-style: chr15-44584030-G-A. GRCh37 (hg19) VCF-style: chr15-44876228-G-A.
Other names: c.5650C>T, p.Arg1884Cys (NM_001160227.2); short protein forms R1884C.
Identifiers: ClinVar variation 650226 (VCV000650226.10), dbSNP rs752889027, ClinGen allele CA7534375.
Genomic context (GRCh38, chr15:44,584,030, plus strand): 5'-AAAAATGAAAATACCGGCATACTCTACTTGCTTCATGCACACAGCCATCATCCAGTAGGC[G>A]CCCAATCAAAAAGTTTAGTGACTCCTGCTCTTTCCAATCCAATCTATTCTCGCATGTCTC-3'
Protein context (NP_079413.3, residues 1874-1894): EQESLNFLIG[Arg1884Cys]LLDDGCVHEA

ClinVar aggregate classification (germline): Uncertain significance. Review status: criteria provided, multiple submitters, no conflicts (2 of 4 stars). 2 submissions from 2 submitters: Uncertain significance (2). Last evaluated 2025-12-15.

Conditions:
Hereditary spastic paraplegia 11. Also called: Spastic Paraplegia 11; SPASTIC PARAPLEGIA, AUTOSOMAL RECESSIVE, COMPLICATED, WITH THIN CORPUS CALLOSUM; SPASTIC PARAPLEGIA, AUTOSOMAL RECESSIVE, WITH MENTAL IMPAIRMENT AND THIN CORPUS CALLOSUM; Spastic paraplegia, mental retardation and thin corpus callosum; Nakamura Osame syndrome; Autosomal recessive hereditary spastic paraplegia, mental impairment, and thin corpus callosum. Identifiers: Orphanet 2822, MedGen C1858479, MONDO:0011445, OMIM 604360.
Inborn genetic diseases. Identifiers: MedGen C0950123, MeSH D030342.

Allele frequency attached by ClinVar (database versions not stated): gnomAD exomes 0.00001 and 0.00002; ExAC 0.00003; TOPMed 0.00003; gnomAD 0.00005.
gnomAD v4.1: 23 of 1,614,146 alleles (0.0014%); highest among the groups gnomAD compares: African/African-American, 0.017%; no homozygotes.

Submissions (2):

Labcorp Genetics (formerly Invitae), Labcorp
Classification: Uncertain significance for Hereditary spastic paraplegia 11. Last evaluated: 2025-12-15. Review status: criteria provided, single submitter. Criteria: Invitae Variant Classification Sherloc (09022015). Collection method: clinical testing. Allele origin: germline.
Comment: This sequence change replaces arginine, which is basic and polar, with cysteine, which is neutral and slightly polar, at codon 1884 of the SPG11 protein (p.Arg1884Cys). This variant is present in population databases (rs752889027, gnomAD 0.02%). This variant has not been reported in the literature in individuals affected with SPG11-related conditions. ClinVar contains an entry for this variant (Variation ID: 650226). Invitae Evidence Modeling of protein sequence and biophysical properties (such as structural, functional, and spatial information, amino acid conservation, physicochemical variation, residue mobility, and thermodynamic stability) indicates that this missense variant is not expected to disrupt SPG11 protein function with a negative predictive value of 80%. In summary, the available evidence is currently insufficient to determine the role of this variant in disease. Therefore, it has been classified as a Variant of Uncertain Significance.

Ambry Genetics
Classification: Uncertain significance for Inborn genetic diseases. Last evaluated: 2022-08-08. Review status: criteria provided, single submitter. Criteria: Ambry Variant Classification Scheme 2023. Collection method: clinical testing. Allele origin: germline.
Comment: The p.R1884C variant (also known as c.5650C>T), located in coding exon 30 of the SPG11 gene, results from a C to T substitution at nucleotide position 5650. The arginine at codon 1884 is replaced by cysteine, an amino acid with highly dissimilar properties. This amino acid position is not well conserved in available vertebrate species. In addition, this alteration is predicted to be tolerated by in silico analysis. Since supporting evidence is limited at this time, the clinical significance of this alteration remains unclear.